The following is an entry in ClinVar:

ClinVar aggregate classification (germline): Uncertain significance. Review status: criteria provided, multiple submitters, no conflicts (2 of 4 stars). 4 submissions from 4 submitters: Uncertain significance (4). Last evaluated 2026-05-04.

Conditions:
Hereditary pancreatitis (PCTT). Also called: PRSS1-Related Hereditary Pancreatitis; Hereditary chronic pancreatitis. Identifiers: Orphanet 676, MedGen C0238339, MONDO:0008185, OMIM 167800.

Allele frequency attached by ClinVar (database versions not stated): TOPMed 0.00002; gnomAD 0.00004; gnomAD exomes 0.00012 and 0.00003; ExAC 0.00002; ESP Exome Variant Server 0.00008.
gnomAD v4.1: 175 of 1,613,964 alleles (0.011%); highest among the groups gnomAD compares: Non-Finnish European, 0.014%; no homozygotes.

Submissions (4):

Women's Health and Genetics/Laboratory Corporation of America, LabCorp
Classification: Uncertain significance. Last evaluated: 2026-05-04. Review status: criteria provided, single submitter. Criteria: LabCorp Variant Classification Summary - May 2015. Collection method: clinical testing. Allele origin: germline.
Comment: Variant summary: PRSS1 c.247G>C (p.Gly83Arg) results in a non-conservative amino acid change located in the Serine proteases, trypsin domain (IPR001254) of the encoded protein sequence. Algorithms developed to predict the effect of missense changes on protein structure and function all suggest that this variant is likely to be disruptive. The variant allele was found at a frequency of 3.2e-05 in 251490 control chromosomes, predominantly at a frequency of 7e-05 within the Non-Finnish European subpopulation in the gnomAD database. The available data on variant occurrences in the general population are insufficient to allow any conclusion about variant significance. To our knowledge, no occurrence of c.247G>C in individuals affected with PRSS1-related conditions and no experimental evidence demonstrating its impact on protein function have been reported. ClinVar contains an entry for this variant (Variation ID: 640389). Based on the evidence outlined above, the variant was classified as uncertain significance.

Labcorp Genetics (formerly Invitae), Labcorp
Classification: Uncertain significance for Hereditary pancreatitis. Last evaluated: 2025-06-10. Review status: criteria provided, single submitter. Criteria: Invitae Variant Classification Sherloc (09022015). Collection method: clinical testing. Allele origin: germline.
Comment: This sequence change replaces glycine, which is neutral and non-polar, with arginine, which is basic and polar, at codon 83 of the PRSS1 protein (p.Gly83Arg). The frequency data for this variant in the population databases is considered unreliable, as metrics indicate poor data quality at this position in the gnomAD database. This variant has not been reported in the literature in individuals affected with PRSS1-related conditions. ClinVar contains an entry for this variant (Variation ID: 640389). Invitae Evidence Modeling of protein sequence and biophysical properties (such as structural, functional, and spatial information, amino acid conservation, physicochemical variation, residue mobility, and thermodynamic stability) indicates that this missense variant is not expected to disrupt PRSS1 protein function with a negative predictive value of 80%. In summary, the available evidence is currently insufficient to determine the role of this variant in disease. Therefore, it has been classified as a Variant of Uncertain Significance.

Ambry Genetics
Classification: Uncertain significance for Hereditary pancreatitis. Last evaluated: 2024-12-28. Review status: criteria provided, single submitter. Criteria: Ambry Variant Classification Scheme 2023. Collection method: clinical testing. Allele origin: germline.
Comment: The p.G83R variant (also known as c.247G>C), located in coding exon 3 of the PRSS1 gene, results from a G to C substitution at nucleotide position 247. The glycine at codon 83 is replaced by arginine, an amino acid with dissimilar properties. This amino acid position is highly conserved in available vertebrate species. In addition, the in silico prediction for this alteration is inconclusive. Since supporting evidence is limited at this time, the clinical significance of this alteration remains unclear.

ARUP Laboratories, Molecular Genetics and Genomics, ARUP Laboratories
Classification: Uncertain significance for Hereditary pancreatitis. Last evaluated: 2024-06-20. Review status: criteria provided, single submitter. Criteria: ARUP Molecular Germline Variant Investigation Process 2024. Collection method: clinical testing. Allele origin: germline.
Comment: The PRSS1 c.247G>C; p.Gly83Arg variant (rs372411481), to our knowledge, is not reported in the medical literature but is reported in ClinVar (Variation ID: 640389). This variant is found in the general population with an overall allele frequency of 0.0032% (8/251490 alleles) in the Genome Aggregation Database (v2.1.1). Computational analyses predict that this variant is deleterious (REVEL: 0.747). Due to limited information, the clinical significance of this variant is uncertain at this time.

NM_002769.5(PRSS1):c.247G>C (p.Gly83Arg)

Genes: TRB (T cell receptor beta locus; plus strand), PRSS1 (serine protease 1; plus strand). Cytogenetic location: 7q34.
Variant type: single nucleotide variant.
Coding change: c.247G>C on transcript NM_002769.5 (MANE Select); coding-DNA position 247, G replaced by C.
Protein change: p.Gly83Arg; replaces glycine 83 with arginine.
Molecular consequence: missense variant.
Genome position (GRCh38, 1-based): chr7:142,751,820, G>C. VCF-style: chr7-142751820-G-C. GRCh37 (hg19) VCF-style: chr7-142459671-G-C.
Other names: short protein forms G83R.
Identifiers: ClinVar variation 640389 (VCV000640389.18), dbSNP rs372411481, ClinGen allele CA4529888.